The following is an entry in ClinVar:

NM_002184.4(IL6ST):c.1180G>C (p.Asp394His)

Gene: IL6ST (interleukin 6 cytokine family signal transducer; minus strand). Cytogenetic location: 5q11.2.
Variant type: single nucleotide variant.
Coding change: c.1180G>C on transcript NM_002184.4 (MANE Select); coding-DNA position 1180, G replaced by C.
Protein change: p.Asp394His; replaces aspartic acid 394 with histidine.
Molecular consequence: missense variant. On other transcripts: 3 prime UTR variant (1), non-coding transcript variant (2).
Genome position (GRCh38, 1-based): chr5:55,956,112, C>G on the plus strand (G>C on the coding strand, the complement: IL6ST is on the minus strand). VCF-style: chr5-55956112-C-G. GRCh37 (hg19) VCF-style: chr5-55251940-C-G.
Other names: c.1180G>C, p.Asp394His (NM_001190981.2, NM_001364275.2); c.970G>C, p.Asp324His (NM_001364276.2); c.313G>C, p.Asp105His (NM_001364277.2); c.277G>C, p.Asp93His (NM_001364278.2); c.184G>C, p.Asp62His (NM_001364279.2); c.*107G>C (NM_175767.3); short protein forms D62H, D105H, D324H, D394H, D93H.
Identifiers: ClinVar variation 1516461 (VCV001516461.8), dbSNP rs765862054, ClinGen allele CA3271482.
Genomic context (GRCh38, chr5:55,956,112, plus strand): 5'-AAACAGCTGCATCTGATTTGCCAACAAGATTTCTTACTGTTAGGGTTGCTAGATAGCGAT[C>G]ATTTGTGAGATTTACTGTCAGTTTTGTGGCATTAACTGTGTAATTTTGTAAATGTGATTT-3'
Protein context (NP_002175.2, residues 384-404): ATKLTVNLTN[Asp394His]RYLATLTVRN

ClinVar aggregate classification (germline): Uncertain significance (1 of 4 stars; one submission).

Allele frequency attached by ClinVar (database versions not stated): gnomAD exomes below 0.00001; ExAC 0.00001.
gnomAD v4.1: 2 of 1,613,034 alleles (0.00012%); highest among the groups gnomAD compares: African/African-American, 0.0027%; no homozygotes.

Submission:

Labcorp Genetics (formerly Invitae), Labcorp
Classification: Uncertain significance. Last evaluated: 2022-09-12. Review status: criteria provided, single submitter. Criteria: Invitae Variant Classification Sherloc (09022015). Collection method: clinical testing. Allele origin: germline.
Comment: In summary, the available evidence is currently insufficient to determine the role of this variant in disease. Therefore, it has been classified as a Variant of Uncertain Significance. Algorithms developed to predict the effect of missense changes on protein structure and function (SIFT, PolyPhen-2, Align-GVGD) all suggest that this variant is likely to be tolerated. ClinVar contains an entry for this variant (Variation ID: 1516461). This variant has not been reported in the literature in individuals affected with IL6ST-related conditions. This variant is not present in population databases (gnomAD no frequency). This sequence change replaces aspartic acid, which is acidic and polar, with histidine, which is basic and polar, at codon 394 of the IL6ST protein (p.Asp394His).